The following is an entry in ClinVar:

NM_020680.4(SCYL1):c.812G>A (p.Arg271His)

Gene: SCYL1 (SCY1 like pseudokinase 1; plus strand). Cytogenetic location: 11q13.1.
Variant type: single nucleotide variant.
Coding change: c.812G>A on transcript NM_020680.4 (MANE Select); coding-DNA position 812, G replaced by A.
Protein change: p.Arg271His; replaces arginine 271 with histidine.
Molecular consequence: missense variant.
Genome position (GRCh38, 1-based): chr11:65,527,080, G>A. VCF-style: chr11-65527080-G-A. GRCh37 (hg19) VCF-style: chr11-65294551-G-A.
Other names: c.812G>A, p.Arg271His (NM_001048218.2); short protein forms R271H.
Identifiers: ClinVar variation 1307156 (VCV001307156.6), dbSNP rs201160219, ClinGen allele CA6099604.
Genomic context (GRCh38, chr11:65,527,080, plus strand): 5'-GTCCCAACCCAGCCCGCTTCCTGCAGAACTGCCGGGCACCTGGTGGCTTCATGAGCAACC[G>A]CTTTGTAGAAACCAACCTCTTCCTGGAGGAGATTCAGGTGAGCCCCCAACCCACCCTGGG-3'
Protein context (NP_065731.3, residues 261-281): CRAPGGFMSN[Arg271His]FVETNLFLEE

ClinVar aggregate classification (germline): Uncertain significance. Review status: criteria provided, multiple submitters, no conflicts (2 of 4 stars). 4 submissions from 4 submitters: Uncertain significance (4). Last evaluated 2026-03-04.

Conditions:
SCYL1-related disorder. Also called: SCYL1-related condition.
Inborn genetic diseases. Identifiers: MedGen C0950123, MeSH D030342.

Allele frequency attached by ClinVar (database versions not stated): gnomAD exomes 0.00007; ExAC 0.00011; 1000 Genomes Project 0.00020; 1000 Genomes Project 30x 0.00031; ESP Exome Variant Server 0.00033; gnomAD 0.00035 and 0.00038; TOPMed 0.00043.
gnomAD v4.1: 123 of 1,613,584 alleles (0.0076%); highest among the groups gnomAD compares: African/African-American, 0.13%; no homozygotes.

Submissions (4):

PreventionGenetics, part of Exact Sciences
Classification: Uncertain significance for SCYL1-related condition. Last evaluated: 2026-03-04. Review status: criteria provided, single submitter. Criteria: ACMG Guidelines, 2015. Collection method: clinical testing. Allele origin: germline.
Comment: The SCYL1 c.812G>A variant is predicted to result in the amino acid substitution p.Arg271His. To our knowledge, this variant has not been reported in the literature. This variant is reported in 0.11% of alleles in individuals of African descent in gnomAD. Although we suspect that this variant may be benign, at this time, the clinical significance of this variant is uncertain due to the absence of conclusive functional and genetic evidence.

Labcorp Genetics (formerly Invitae), Labcorp
Classification: Uncertain significance. Last evaluated: 2025-08-02. Review status: criteria provided, single submitter. Criteria: Invitae Variant Classification Sherloc (09022015). Collection method: clinical testing. Allele origin: germline.
Comment: This sequence change replaces arginine, which is basic and polar, with histidine, which is basic and polar, at codon 271 of the SCYL1 protein (p.Arg271His). This variant is present in population databases (rs201160219, gnomAD 0.1%). This variant has not been reported in the literature in individuals affected with SCYL1-related conditions. ClinVar contains an entry for this variant (Variation ID: 1307156). An algorithm developed to predict the effect of missense changes on protein structure and function (PolyPhen-2) suggests that this variant is likely to be tolerated. In summary, the available evidence is currently insufficient to determine the role of this variant in disease. Therefore, it has been classified as a Variant of Uncertain Significance.

Ambry Genetics
Classification: Uncertain significance for Inborn genetic diseases. Last evaluated: 2024-01-03. Review status: criteria provided, single submitter. Criteria: Ambry Variant Classification Scheme 2023. Collection method: clinical testing. Allele origin: germline.

GeneDx
Classification: Uncertain significance. Last evaluated: 2023-06-20. Review status: criteria provided, single submitter. Criteria: GeneDx Variant Classification Process June 2021. Collection method: clinical testing. Allele origin: germline. Affected: yes.
Comment: In silico analysis supports that this missense variant does not alter protein structure/function; Has not been previously published as pathogenic or benign to our knowledge